The following is an entry in ClinVar:

NM_014989.7(RIMS1):c.527G>A (p.Gly176Glu)

Gene: RIMS1 (regulating synaptic membrane exocytosis 1; plus strand). Cytogenetic location: 6q13.
Variant type: single nucleotide variant.
Coding change: c.527G>A on transcript NM_014989.7 (MANE Select); coding-DNA position 527, G replaced by A.
Protein change: p.Gly176Glu; replaces glycine 176 with glutamic acid.
Molecular consequence: missense variant.
Genome position (GRCh38, 1-based): chr6:72,179,630, G>A. VCF-style: chr6-72179630-G-A. GRCh37 (hg19) VCF-style: chr6-72889333-G-A.
Other names: c.527G>A (NM_014989.4); short protein forms G176E.
Identifiers: ClinVar variation 1442598 (VCV001442598.8), dbSNP rs376314364, ClinGen allele CA3885541.
Genomic context (GRCh38, chr6:72,179,630, plus strand): 5'-AATAGGTTATGTGGGTATGCAATTTATGTCGAAAGCAACAAGAAATCTTAACCAAATCTG[G>A]GGCATGGTTCTTTGGAAGTGGCCCTCAGCAGACAAGTCAGGATGGAACCCTGAGTGATAC-3'
Protein context (NP_055804.2, residues 166-186): RKQQEILTKS[Gly176Glu]AWFFGSGPQQ

ClinVar aggregate classification (germline): Uncertain significance. Review status: criteria provided, multiple submitters, no conflicts (2 of 4 stars). 3 submissions from 3 submitters: Uncertain significance (3). Last evaluated 2025-12-25.

Allele frequency attached by ClinVar (database versions not stated): ExAC 0.00001; gnomAD exomes 0.00001; gnomAD 0.00003 and 0.00004; TOPMed 0.00005; ESP Exome Variant Server 0.00008.
gnomAD v4.1: 20 of 1,613,774 alleles (0.0012%); highest among the groups gnomAD compares: Middle Eastern, 0.016%; no homozygotes.

Submissions (3):

Labcorp Genetics (formerly Invitae), Labcorp
Classification: Uncertain significance. Last evaluated: 2025-12-25. Review status: criteria provided, single submitter. Criteria: Invitae Variant Classification Sherloc (09022015). Collection method: clinical testing. Allele origin: germline.
Comment: This sequence change replaces glycine, which is neutral and non-polar, with glutamic acid, which is acidic and polar, at codon 176 of the RIMS1 protein (p.Gly176Glu). This variant is present in population databases (rs376314364, gnomAD 0.003%). This variant has not been reported in the literature in individuals affected with RIMS1-related conditions. ClinVar contains an entry for this variant (Variation ID: 1442598). An algorithm developed to predict the effect of missense changes on protein structure and function (PolyPhen-2) suggests that this variant is likely to be disruptive. In summary, the available evidence is currently insufficient to determine the role of this variant in disease. Therefore, it has been classified as a Variant of Uncertain Significance.

Blueprint Genetics
Classification: Uncertain significance. Last evaluated: 2024-05-21. Review status: criteria provided, single submitter. Criteria: ACMG Guidelines, 2015. Collection method: clinical testing. Allele origin: germline.

Ambry Genetics
Classification: Uncertain significance. Last evaluated: 2023-12-17. Review status: criteria provided, single submitter. Criteria: Ambry Variant Classification Scheme 2023. Collection method: clinical testing. Allele origin: germline.